The following is an entry in ClinVar:

ClinVar aggregate classification (germline): Uncertain significance. Review status: criteria provided, single submitter (1 of 4 stars). 2 submissions from 2 submitters: Uncertain significance (1). 1 of the submissions does not count toward it. Last evaluated 2023-08-17.

Conditions:
PEX16-related disorder. Also called: PEX16-related condition.
Peroxisome biogenesis disorder. Identifiers: Orphanet 79189, MedGen C1832200, MONDO:0019234. Disease mechanism: loss of function.

gnomAD v4.1: 1 of 1,613,606 alleles (0.000062%); highest among the groups gnomAD compares: Non-Finnish European, 0.000085%; no homozygotes.

Submissions (2):

Labcorp Genetics (formerly Invitae), Labcorp
Classification: Uncertain significance for Peroxisome biogenesis disorder. Last evaluated: 2023-08-17. Review status: criteria provided, single submitter. Criteria: Invitae Variant Classification Sherloc (09022015). Collection method: clinical testing. Allele origin: germline.
Comment: This sequence change replaces serine, which is neutral and polar, with threonine, which is neutral and polar, at codon 334 of the PEX16 protein (p.Ser334Thr). This variant is not present in population databases (gnomAD no frequency). This variant has not been reported in the literature in individuals affected with PEX16-related conditions. ClinVar contains an entry for this variant (Variation ID: 2041699). Advanced modeling of protein sequence and biophysical properties (such as structural, functional, and spatial information, amino acid conservation, physicochemical variation, residue mobility, and thermodynamic stability) performed at Invitae indicates that this missense variant is not expected to disrupt PEX16 protein function. In summary, the available evidence is currently insufficient to determine the role of this variant in disease. Therefore, it has been classified as a Variant of Uncertain Significance.

PreventionGenetics, part of Exact Sciences
Classification: Uncertain significance for PEX16-related condition. Last evaluated: 2024-03-27. Review status: no assertion criteria provided. Collection method: clinical testing. Allele origin: germline. Not counted in ClinVar's aggregate classification.
Comment: The PEX16 c.1001G>C variant is predicted to result in the amino acid substitution p.Ser334Thr. To our knowledge, this variant has not been reported in the literature or in a large population database, indicating this variant is rare. At this time, the clinical significance of this variant is uncertain due to the absence of conclusive functional and genetic evidence.

NM_004813.4(PEX16):c.1001G>C (p.Ser334Thr)

Gene: PEX16 (peroxisomal biogenesis factor 16; minus strand). Cytogenetic location: 11p11.2.
Variant type: single nucleotide variant.
Coding change: c.1001G>C on transcript NM_004813.4 (MANE Select); coding-DNA position 1001, G replaced by C.
Protein change: p.Ser334Thr; replaces serine 334 with threonine.
Molecular consequence: missense variant. On other transcripts: intron variant (1).
Genome position (GRCh38, 1-based): chr11:45,910,264, C>G on the plus strand (G>C on the coding strand, the complement: PEX16 is on the minus strand). VCF-style: chr11-45910264-C-G. GRCh37 (hg19) VCF-style: chr11-45931815-C-G.
Other names: c.953-87G>C (NM_057174.3); c.1001G>C (NM_004813.2); short protein forms S334T.
Identifiers: ClinVar variation 2041699 (VCV002041699.5), dbSNP rs2086762416, ClinGen allele CA380223158.
Genomic context (GRCh38, chr11:45,910,264, plus strand): 5'-GAGGGGCTCCCTGCCCCACCCCTCCCCACACCCTCCTTCCGGGAGGTCTGTCAGCCCCAA[C>G]TGTAGAAGTAGATTTTCTGCCAGGTGGGCAAGTAATCCATGAGCGGCCCTGCAGTGGGAG-3'
Protein context (NP_004804.2, residues 324-336): LPTWQKIYFY[Ser334Thr]WG